The following is an entry in ClinVar:

ClinVar aggregate classification (germline): Uncertain significance (1 of 4 stars; one submission).

gnomAD v4.1: 63 of 1,611,384 alleles (0.0039%); highest among the groups gnomAD compares: East Asian, 0.013%; no homozygotes.

Submission:

GeneDx
Classification: Uncertain significance. Last evaluated: 2025-07-05. Review status: criteria provided, single submitter. Criteria: GeneDx Variant Classification Process June 2021. Collection method: clinical testing. Allele origin: germline. Affected: yes.
Comment: Has not been previously published as pathogenic or benign to our knowledge; Nonsense variant predicted to result in protein truncation as the last 8 amino acid(s) are lost with an unclear effect on protein function

NM_145054.5(CFAP52):c.1837C>T (p.Arg613Ter)

Gene: CFAP52 (cilia and flagella associated protein 52; plus strand). Cytogenetic location: 17p13.1.
Variant type: single nucleotide variant.
Coding change: c.1837C>T on transcript NM_145054.5 (MANE Select); coding-DNA position 1837, C replaced by T.
Protein change: p.Arg613Ter; replaces arginine 613 with a stop codon.
Molecular consequence: nonsense.
Genome position (GRCh38, 1-based): chr17:9,643,172, C>T. VCF-style: chr17-9643172-C-T. GRCh37 (hg19) VCF-style: chr17-9546489-C-T.
Other names: c.1633C>T, p.Arg545Ter (NM_001080556.2); short protein forms R545*, R613*.
Identifiers: ClinVar variation 4685187 (VCV004685187.1).